The following is an entry in ClinVar:

ClinVar aggregate classification (germline): Uncertain significance (1 of 4 stars; one submission).

gnomAD v4.1: 5 of 1,613,096 alleles (0.00031%); highest among the groups gnomAD compares: Non-Finnish European, 0.00042%; no homozygotes.

Submission:

Labcorp Genetics (formerly Invitae), Labcorp
Classification: Uncertain significance. Last evaluated: 2025-07-29. Review status: criteria provided, single submitter. Criteria: Invitae Variant Classification Sherloc (09022015). Collection method: clinical testing. Allele origin: germline.
Comment: This sequence change falls in intron 4 of the DSPP gene. It does not directly change the encoded amino acid sequence of the DSPP protein. It affects a nucleotide within the consensus splice site. This variant is not present in population databases (gnomAD no frequency). This variant has not been reported in the literature in individuals affected with DSPP-related conditions. Variants that disrupt the consensus splice site are a relatively common cause of aberrant splicing (PMID: 17576681, 9536098). Algorithms developed to predict the effect of sequence changes on RNA splicing suggest that this variant is not likely to affect RNA splicing. In summary, the available evidence is currently insufficient to determine the role of this variant in disease. Therefore, it has been classified as a Variant of Uncertain Significance.

Literature cited by the submitters: PubMed 17576681; PubMed 9536098.

NM_014208.3(DSPP):c.1122+4A>G

Genes: DMP1-AS1 (DMP1 and DSPP antisense RNA 1; minus strand), DSPP (dentin sialophosphoprotein; plus strand). Cytogenetic location: 4q22.1.
Variant type: single nucleotide variant.
Coding change: c.1122+4A>G on transcript NM_014208.3 (MANE Select); 4 bases into the intron after coding-DNA position 1122, A replaced by G.
Molecular consequence: intron variant.
Genome position (GRCh38, 1-based): chr4:87,613,312, A>G. VCF-style: chr4-87613312-A-G. GRCh37 (hg19) VCF-style: chr4-88534464-A-G.
Identifiers: ClinVar variation 4699814 (VCV004699814.1).